The following is an entry in ClinVar:

NM_001042492.3(NF1):c.5851_5852delinsTT (p.Pro1951Leu)

Gene: NF1 (neurofibromin 1; plus strand). Cytogenetic location: 17q11.2.
Variant type: Indel.
Coding change: c.5851_5852delinsTT on transcript NM_001042492.3 (MANE Select); coding-DNA positions 5851 to 5852, CC replaced by TT.
Protein change: p.Pro1951Leu; replaces proline 1951 with leucine.
Molecular consequence: missense variant.
Genome position (GRCh38, 1-based): chr17:31,334,876-31,334,877, CC replaced by TT. VCF-style: chr17-31334876-CC-TT. GRCh37 (hg19) VCF-style: chr17-29661894-CC-TT.
Other names: c.5788_5789delinsTT, p.Pro1930Leu (NM_000267.4); short protein forms P1930L, P1951L.
Identifiers: ClinVar variation 5025603 (VCV005025603.1).

ClinVar aggregate classification (germline): Uncertain significance (1 of 4 stars; one submission).

Conditions:
Cardiovascular phenotype. Identifiers: MedGen CN230736.
Hereditary cancer-predisposing syndrome. Also called: Neoplastic Syndromes, Hereditary; Tumor predisposition; Hereditary neoplastic syndrome; Hereditary Cancer Syndrome. Identifiers: Orphanet 140162, MedGen C0027672, MeSH D009386, MONDO:0015356.

Submission:

Ambry Genetics
Classification: Uncertain significance for Cardiovascular phenotype; Hereditary cancer-predisposing syndrome. Last evaluated: 2026-08-10. Review status: criteria provided, single submitter. Criteria: Ambry Variant Classification Scheme 2023. Collection method: clinical testing. Allele origin: germline.
Comment: The c.5788_5789delCCinsTT variant (also known as p.P1930L), located in coding exon 39 of the NF1 gene, results from an in-frame deletion of CC and insertion of TT at nucleotide positions 5788 to 5789. This results in the substitution of the proline residue for a leucine residue at codon 1930, an amino acid with similar properties. This amino acid position is highly conserved in available vertebrate species. In addition, this alteration is predicted to be deleterious by in silico analysis. Based on the available evidence, the clinical significance of this variant remains unclear.